The following is an entry in ClinVar:

NM_007294.4(BRCA1):c.282G>A (p.Gln94=)

Gene: BRCA1 (BRCA1 DNA repair associated; minus strand). Cytogenetic location: 17q21.31.
Variant type: single nucleotide variant.
Coding change: c.282G>A on transcript NM_007294.4 (MANE Select); coding-DNA position 282, G replaced by A.
Protein change: p.Gln94=; no amino-acid change (glutamine 94 retained).
Molecular consequence: synonymous variant. On other transcripts: 5 prime UTR variant (7), intron variant (2).
Genome position (GRCh38, 1-based): chr17:43,104,887, C>T on the plus strand (G>A on the coding strand, the complement: BRCA1 is on the minus strand). VCF-style: chr17-43104887-C-T. GRCh37 (hg19) VCF-style: chr17-41256904-C-T.
Other names: c.72G>A, p.Gln24= (NM_001407571.1, NM_001407853.1, NM_001407879.1 and 58 more transcripts); c.282G>A, p.Gln94= (NM_001407581.1, NM_001407582.1, NM_001407583.1 and 168 more transcripts); c.204G>A, p.Gln68= (NM_001407653.1, NM_001407654.1, NM_001407655.1 and 21 more transcripts); c.141G>A, p.Gln47= (NM_001407692.1, NM_001407694.1, NM_001407695.1 and 99 more transcripts); c.-100G>A (NM_001407959.1, NM_001407960.1, NM_001407962.1 and 4 more transcripts); c.150G>A, p.Gln50= (NM_001408451.1); c.-218-10027G>A (NM_001407967.1, NM_001407966.1).
Identifiers: ClinVar variation 865631 (VCV000865631.3), dbSNP rs1597898117, ClinGen allele CA500127498.

Conditions:
Breast-ovarian cancer, familial, susceptibility to, 1 (BROVCA1). Also called: BRCA1 Hereditary Breast and Ovarian Cancer; OVARIAN CANCER, SUSCEPTIBILITY TO. Identifiers: Orphanet 145, MedGen C2676676, MONDO:0011450, OMIM 604370. Disease mechanism: loss of function.

Submission:

Brotman Baty Institute, University of Washington
No classification provided (evidence only). Condition: Breast-ovarian cancer, familial 1. Review status: no classification provided. Collection method: in vitro. Allele origin: not applicable. Functional consequence: functionally_normal.
ClinVar note: "not provided" was previously submitted as the classification for the variant. However, the classification appeared to be based only on an observation of functional data so it was converted to no classification on 2025-07-30.